The following is an entry in ClinVar:

NM_003764.4(STX11):c.*4373T>A

Gene: STX11 (syntaxin 11; plus strand). Cytogenetic location: 6q24.2.
Variant type: single nucleotide variant.
Coding change: c.*4373T>A on transcript NM_003764.4 (MANE Select); 4373 bases downstream of the stop codon, T replaced by A.
Molecular consequence: 3 prime UTR variant.
Genome position (GRCh38, 1-based): chr6:144,191,864, T>A. VCF-style: chr6-144191864-T-A. GRCh37 (hg19) VCF-style: chr6-144513001-T-A.
Other names: c.*4373T>A (LRG_113t1).
Identifiers: ClinVar variation 355668 (VCV000355668.5), dbSNP rs6935462, ClinGen allele CA10626184.

ClinVar aggregate classification (germline): Benign (1 of 4 stars; one submission).

Conditions:
Familial hemophagocytic lymphohistiocytosis 4 (FHL4). Also called: STX11-Related Familial Hemophagocytic Lymphohistiocytosis (STX11-fHLH). Identifiers: Orphanet 540, MedGen C1863728, MONDO:0011336, OMIM 603552.

Allele frequency attached by ClinVar (database versions not stated): gnomAD 0.11732 and 0.11781; TOPMed 0.12223; 1000 Genomes Project 30x 0.16224; 1000 Genomes Project 0.16274.
gnomAD v4.1: 17,748 of 152,244 alleles (12%); highest among the groups gnomAD compares: African/African-American, 25%; 1,713 homozygotes.

Submission:

Illumina Laboratory Services, Illumina
Classification: Benign for Familial hemophagocytic lymphohistiocytosis 4. Last evaluated: 2018-01-13. Review status: criteria provided, single submitter. Criteria: ICSL Variant Classification Criteria 13 December 2019. Collection method: clinical testing. Allele origin: germline.
Comment: This variant was observed in the ICSL laboratory as part of a predisposition screen in an ostensibly healthy population. It had not been previously curated by ICSL or reported in the Human Gene Mutation Database (HGMD: prior to June 1st, 2018), and was therefore a candidate for classification through an automated scoring system. Utilizing variant allele frequency, disease prevalence and penetrance estimates, and inheritance mode, an automated score was calculated to assess if this variant is too frequent to cause the disease. Based on the score and internal cut-off values, a variant classified as benign is not then subjected to further curation. The score for this variant resulted in a classification of benign for this disease.